The following is an entry in ClinVar:

NM_003108.4(SOX11):c.235A>C (p.Ile79Leu)

Gene: SOX11 (SRY-box transcription factor 11; plus strand). Cytogenetic location: 2p25.2.
Variant type: single nucleotide variant.
Coding change: c.235A>C on transcript NM_003108.4 (MANE Select); coding-DNA position 235, A replaced by C.
Protein change: p.Ile79Leu; replaces isoleucine 79 with leucine.
Molecular consequence: missense variant.
Genome position (GRCh38, 1-based): chr2:5,692,956, A>C. VCF-style: chr2-5692956-A-C. GRCh37 (hg19) VCF-style: chr2-5833088-A-C.
Other names: short protein forms I79L.
Identifiers: ClinVar variation 928516 (VCV000928516.1), dbSNP rs1665660680, ClinGen allele CA345866254.

ClinVar aggregate classification (germline): Uncertain significance (1 of 4 stars; one submission).

Submission:

Women's Health and Genetics/Laboratory Corporation of America, LabCorp
Classification: Uncertain significance. Last evaluated: 2019-05-30. Review status: criteria provided, single submitter. Criteria: LabCorp Variant Classification Summary - May 2015. Collection method: clinical testing. Allele origin: germline.
Comment: Variant summary: SOX11 c.235A>C (p.Ile79Leu) results in a conservative amino acid change located in the High mobility group box domain (IPR009071) of the encoded protein sequence. Four of five in-silico tools predict a damaging effect of the variant on protein function. The variant was absent in 251086 control chromosomes (gnomAD). The available data on variant occurrences in the general population are insufficient to allow any conclusion about variant significance. To our knowledge, no occurrence of c.235A>C in individuals affected with Mental retardation, autosomal dominant 27 and no experimental evidence demonstrating its impact on protein function have been reported. No submitters have provided clinical-significance assessments for this variant to ClinVar after 2014. Based on the evidence outlined above, the variant was classified as uncertain significance.